The following is an entry in ClinVar:

NM_001195305.3(BBIP1):c.113-7A>G

Gene: BBIP1 (BBSome interacting protein 1; minus strand). Cytogenetic location: 10q25.2.
Variant type: single nucleotide variant.
Coding change: c.113-7A>G on transcript NM_001195305.3 (MANE Select); 7 bases into the intron before coding-DNA position 113, A replaced by G.
Molecular consequence: intron variant.
Genome position (GRCh38, 1-based): chr10:110,900,533, T>C on the plus strand (A>G on the coding strand, the complement: BBIP1 is on the minus strand). VCF-style: chr10-110900533-T-C. GRCh37 (hg19) VCF-style: chr10-112660291-T-C.
Other names: c.113-7A>G (NM_001195306.2); c.47-7A>G (NM_001243783.3); c.38-7A>G (NM_001195307.2); c.270-7A>G (NM_001195304.2).
Identifiers: ClinVar variation 4984494 (VCV004984494.1).

ClinVar aggregate classification (germline): Uncertain significance (1 of 4 stars; one submission).

Conditions:
BBIP1-related disorder. Also called: BBIP1-related condition.

gnomAD v4.1: 3 of 1,509,836 alleles (0.0002%); highest among the groups gnomAD compares: Non-Finnish European, 0.00026%; no homozygotes.

Submission:

PreventionGenetics, part of Exact Sciences
Classification: Uncertain significance for BBIP1-related condition. Last evaluated: 2026-03-25. Review status: criteria provided, single submitter. Criteria: ACMG Guidelines, 2015. Collection method: clinical testing. Allele origin: germline.
Comment: The BBIP1 c.113-7A>G variant is predicted to interfere with splicing. This variant is predicted to alter splicing based on available splicing prediction programs (SpliceAI, Jaganathan et al. 2019. PubMed ID: 30661751). To our knowledge, this variant has not been reported in the literature or in a large population database (gnomAD), indicating this variant is rare. At this time, the clinical significance of this variant is uncertain due to the absence of conclusive functional and genetic evidence.